The following is an entry in ClinVar:

ClinVar aggregate classification (germline): Benign. Review status: criteria provided, multiple submitters, no conflicts (2 of 4 stars). 2 submissions from 2 submitters: Benign (2). Last evaluated 2018-01-12.

Conditions:
Oligodontia-cancer predisposition syndrome. Also called: TOOTH AGENESIS-COLORECTAL CANCER SYNDROME. Identifiers: Orphanet 300576, MedGen C1837750, MONDO:0012075, OMIM 608615. Disease mechanism: loss of function.

Allele frequency attached by ClinVar (database versions not stated): 1000 Genomes Project 30x 0.08276; 1000 Genomes Project 0.08327; TOPMed 0.10387.
gnomAD v4.1: 27,222 of 234,160 alleles (12%); highest among the groups gnomAD compares: Middle Eastern, 21%; 2,007 homozygotes.

Submissions (2):

Illumina Laboratory Services, Illumina
Classification: Benign for Oligodontia-cancer predisposition syndrome. Last evaluated: 2018-01-12. Review status: criteria provided, single submitter. Criteria: ICSL Variant Classification Criteria 13 December 2019. Collection method: clinical testing. Allele origin: germline.
Comment: This variant was observed in the ICSL laboratory as part of a predisposition screen in an ostensibly healthy population. It had not been previously curated by ICSL or reported in the Human Gene Mutation Database (HGMD: prior to June 1st, 2018), and was therefore a candidate for classification through an automated scoring system. Utilizing variant allele frequency, disease prevalence and penetrance estimates, and inheritance mode, an automated score was calculated to assess if this variant is too frequent to cause the disease. Based on the score and internal cut-off values, a variant classified as benign is not then subjected to further curation. The score for this variant resulted in a classification of benign for this disease.

Breakthrough Genomics
Classification: Benign. Review status: criteria provided, single submitter. Criteria: ACMG Guidelines, 2015. Collection method: not provided. Allele origin: germline. Inheritance: Autosomal dominant inheritance. Affected: yes.

NM_004655.4(AXIN2):c.*794C>A

Gene: AXIN2 (axin 2; minus strand). Cytogenetic location: 17q24.1.
Variant type: single nucleotide variant.
Coding change: c.*794C>A on transcript NM_004655.4 (MANE Select); 794 bases downstream of the stop codon, C replaced by A.
Molecular consequence: 3 prime UTR variant.
Genome position (GRCh38, 1-based): chr17:65,529,182, G>T on the plus strand (C>A on the coding strand, the complement: AXIN2 is on the minus strand). VCF-style: chr17-65529182-G-T. GRCh37 (hg19) VCF-style: chr17-63525300-G-T.
Other names: c.*794C>A (LRG_296t1, NM_001363813.1).
Identifiers: ClinVar variation 324633 (VCV000324633.6), dbSNP rs10438779, ClinGen allele CA10646572.
Genomic context (GRCh38, chr17:65,529,182, plus strand): 5'-AAGCACAGCGGCAGTGATTCTAGCAGGCCTCAGGGCCCTGGGCCTGGGGAGGCTACATGA[G>T]GGGGAGCCTCAGTCACAGGATCAACCTGGGGCCCGAAGGAGCAGGGTTCCCTGCCTCTCC-3'